The following is an entry in ClinVar:

NM_001122630.2(CDKN1C):c.865G>T (p.Ala289Ser)

Gene: CDKN1C (cyclin dependent kinase inhibitor 1C; minus strand). Cytogenetic location: 11p15.4.
Variant type: single nucleotide variant.
Coding change: c.865G>T on transcript NM_001122630.2 (MANE Select); coding-DNA position 865, G replaced by T.
Protein change: p.Ala289Ser; replaces alanine 289 with serine.
Molecular consequence: missense variant. On other transcripts: synonymous variant (1).
Genome position (GRCh38, 1-based): chr11:2,884,057, C>A on the plus strand (G>T on the coding strand, the complement: CDKN1C is on the minus strand). VCF-style: chr11-2884057-C-A. GRCh37 (hg19) VCF-style: chr11-2905287-C-A.
Other names: c.898G>T, p.Ala300Ser (NM_000076.2, LRG_533t1, NM_001362474.2); c.865G>T, p.Ala289Ser (NM_001122631.2); c.333G>T, p.Ala111= (NM_001362475.2); short protein forms A289S, A300S.
Identifiers: ClinVar variation 645470 (VCV000645470.10), dbSNP rs755160554, ClinGen allele CA5822143.
Genomic context (GRCh38, chr11:2,884,057, plus strand): 5'-ACTTGGCTCACCGCAGCCTCTTGCGCGGGGTCTGCTCCACCGAGCCCACGCCAGGGGCGG[C>A]GCTTGGAGAGGGACACGGCGCGGGGACATCGCCCGACGACTTCTCAGGCGCTGATCTCTT-3'
Protein context (NP_001116102.1, residues 279-299): DVPAPCPSPS[Ala289Ser]APGVGSVEQT

ClinVar aggregate classification (germline): Conflicting classifications of pathogenicity. Review status: criteria provided, conflicting classifications (1 of 4 stars). 3 submissions from 3 submitters: Uncertain significance (2); Likely benign (1). Last evaluated 2025-07-22.

Conditions:
Inborn genetic diseases. Identifiers: MedGen C0950123, MeSH D030342.
Beckwith-Wiedemann syndrome (BWS). Also called: Exomphalos macroglossia gigantism syndrome; EMG SYNDROME. Identifiers: Orphanet 116, MedGen C0004903, MONDO:0007534, OMIM 130650.

Allele frequency attached by ClinVar (database versions not stated): gnomAD 0.00001 and 0.00003; TOPMed 0.00002; gnomAD exomes 0.00003 and 0.00008; ExAC 0.00019.
gnomAD v4.1: 44 of 1,553,344 alleles (0.0028%); highest among the groups gnomAD compares: South Asian, 0.046%; no homozygotes.

Submissions (3):

Labcorp Genetics (formerly Invitae), Labcorp
Classification: Uncertain significance for Beckwith-Wiedemann syndrome. Last evaluated: 2025-07-22. Review status: criteria provided, single submitter. Criteria: Invitae Variant Classification Sherloc (09022015). Collection method: clinical testing. Allele origin: germline.
Comment: This sequence change replaces alanine, which is neutral and non-polar, with serine, which is neutral and polar, at codon 300 of the CDKN1C protein (p.Ala300Ser). This variant is present in population databases (rs755160554, gnomAD 0.05%), and has an allele count higher than expected for a pathogenic variant. This variant has not been reported in the literature in individuals affected with CDKN1C-related conditions. ClinVar contains an entry for this variant (Variation ID: 645470). Invitae Evidence Modeling of protein sequence and biophysical properties (such as structural, functional, and spatial information, amino acid conservation, physicochemical variation, residue mobility, and thermodynamic stability) indicates that this missense variant is not expected to disrupt CDKN1C protein function with a negative predictive value of 80%. In summary, the available evidence is currently insufficient to determine the role of this variant in disease. Therefore, it has been classified as a Variant of Uncertain Significance.

Ambry Genetics
Classification: Likely benign for Inborn genetic diseases. Last evaluated: 2025-06-17. Review status: criteria provided, single submitter. Criteria: Ambry Variant Classification Scheme 2023. Collection method: clinical testing. Allele origin: germline.

Blueprint Genetics
Classification: Uncertain significance. Last evaluated: 2023-01-20. Review status: criteria provided, single submitter. Criteria: ACMG Guidelines, 2015. Collection method: clinical testing. Allele origin: germline.